The following is an entry in ClinVar:

ClinVar aggregate classification (germline): Uncertain significance. Review status: criteria provided, multiple submitters, no conflicts (2 of 4 stars). 7 submissions from 7 submitters: Uncertain significance (6). 1 of the submissions does not count toward it. Last evaluated 2026-04-07.

Conditions:
ATM-related cancer predisposition. Also called: ATM-related cancer susceptibility. Identifiers: MedGen CN377759, MONDO:0700270.
ATM-related disorder. Also called: ATM-related disorders; ATM-related condition.
Hereditary cancer-predisposing syndrome. Also called: Neoplastic Syndromes, Hereditary; Hereditary Cancer Syndrome; Tumor predisposition; Hereditary neoplastic syndrome. Identifiers: Orphanet 140162, MedGen C0027672, MeSH D009386, MONDO:0015356.
Ataxia-telangiectasia syndrome (AT). Also called: Ataxia-telangiectasia, complementation group D; AT, COMPLEMENTATION GROUP C; Ataxia-telangiectasia; ATAXIA-TELANGIECTASIA, COMPLEMENTATION GROUP A; ATAXIA-TELANGIECTASIA, FRESNO VARIANT; Ataxia-telangiectasia, complementation group E. Identifiers: Orphanet 100, MedGen C0004135, MONDO:0008840, OMIM 208900.

Allele frequency attached by ClinVar (database versions not stated): gnomAD 0.00001; TOPMed 0.00001; gnomAD exomes below 0.00001.
gnomAD v4.1: 1 of 1,613,574 alleles (0.000062%); highest among the groups gnomAD compares: Non-Finnish European, 0.000085%; no homozygotes.

Submissions (7):

Dasa
Classification: Uncertain significance for ATM-related cancer predisposition. Last evaluated: 2026-04-07. Review status: criteria provided, single submitter. Criteria: DASA Assertion Criteria. Collection method: clinical testing. Allele origin: germline.
Comment: NM_000051.4(ATM):c.5879T>A (p.Ile1960Asn) is a missense variant that results in the substitution of isoleucine with asparagine. This variant is rare in population databases. The currently available literature and clinical evidence are not sufficient to establish a definitive association between this variant and the reported condition. Therefore, this variant is classified as a variant of uncertain significance.

Quest Diagnostics Nichols Institute San Juan Capistrano
Classification: Uncertain significance. Last evaluated: 2025-10-28. Review status: criteria provided, single submitter. Criteria: Quest Diagnostics criteria. Collection method: clinical testing. Allele origin: unknown.

Labcorp Genetics (formerly Invitae), Labcorp
Classification: Uncertain significance for Ataxia-telangiectasia syndrome. Last evaluated: 2025-09-21. Review status: criteria provided, single submitter. Criteria: Invitae Variant Classification Sherloc (09022015). Collection method: clinical testing. Allele origin: germline.
Comment: This sequence change replaces isoleucine, which is neutral and non-polar, with asparagine, which is neutral and polar, at codon 1960 of the ATM protein (p.Ile1960Asn). This variant is present in population databases (rs587782503, gnomAD 0.0009%). This variant has not been reported in the literature in individuals affected with ATM-related conditions. ClinVar contains an entry for this variant (Variation ID: 142498). Invitae Evidence Modeling of protein sequence and biophysical properties (such as structural, functional, and spatial information, amino acid conservation, physicochemical variation, residue mobility, and thermodynamic stability) has been performed for this missense variant. However, the output from this modeling did not meet the statistical confidence thresholds required to predict the impact of this variant on ATM protein function. In summary, the available evidence is currently insufficient to determine the role of this variant in disease. Therefore, it has been classified as a Variant of Uncertain Significance.

PreventionGenetics, part of Exact Sciences
Classification: Uncertain significance for ATM-related condition. Last evaluated: 2025-03-13. Review status: criteria provided, single submitter. Criteria: ACMG Guidelines, 2015. Collection method: clinical testing. Allele origin: germline.
Comment: The ATM c.5879T>A variant is predicted to result in the amino acid substitution p.Ile1960Asn. This variant has been reported in an individual with primary ovarian insufficiency (França et al. 2020. PubMed ID: 33095795). This variant is reported in 0.00088% of alleles in individuals of European (Non-Finnish) descent in gnomAD and is classified as uncertain in ClinVar. At this time, the clinical significance of this variant is uncertain due to the absence of conclusive functional and genetic evidence.

Color Diagnostics, LLC DBA Color Health
Classification: Uncertain significance for Hereditary cancer-predisposing syndrome. Last evaluated: 2024-08-06. Review status: criteria provided, single submitter. Criteria: ACMG Guidelines, 2015. Collection method: clinical testing. Allele origin: germline.
Comment: This missense variant replaces isoleucine with asparagine at codon 1960 of the ATM protein. Computational prediction is inconclusive regarding the impact of this variant on protein structure and function. To our knowledge, functional studies have not been performed for this variant. This variant has been reported in an individual affected with primary ovarian insufficiency (PMID: 33095795). This variant has been identified in 1/251068 chromosomes in the general population by the Genome Aggregation Database (gnomAD). The available evidence is insufficient to determine the role of this variant in disease conclusively. Therefore, this variant is classified as a Variant of Uncertain Significance.

Ambry Genetics
Classification: Uncertain significance for Hereditary cancer-predisposing syndrome. Last evaluated: 2023-12-29. Review status: criteria provided, single submitter. Criteria: Ambry Variant Classification Scheme 2023. Collection method: clinical testing. Allele origin: germline.
Comment: The p.I1960N variant (also known as c.5879T>A), located in coding exon 38 of the ATM gene, results from a T to A substitution at nucleotide position 5879. The isoleucine at codon 1960 is replaced by asparagine, an amino acid with dissimilar properties. This amino acid position is highly conserved in available vertebrate species. In addition, the in silico prediction for this alteration is inconclusive. Since supporting evidence is limited at this time, the clinical significance of this alteration remains unclear.

Natera, Inc.
Classification: Uncertain significance for Ataxia-telangiectasia. Last evaluated: 2021-01-27. Review status: no assertion criteria provided. Collection method: clinical testing. Allele origin: germline. Not counted in ClinVar's aggregate classification.

Literature cited by the submitters: PubMed 33095795 (cited by Color Diagnostics, LLC DBA Color Health).

NM_000051.4(ATM):c.5879T>A (p.Ile1960Asn)

Genes: ATM (ATM serine/threonine kinase; plus strand), C11orf65 (chromosome 11 open reading frame 65; minus strand). Cytogenetic location: 11q22.3.
Variant type: single nucleotide variant.
Coding change: c.5879T>A on transcript NM_000051.4 (MANE Select); coding-DNA position 5879, T replaced by A.
Protein change: p.Ile1960Asn; replaces isoleucine 1960 with asparagine.
Molecular consequence: missense variant. On other transcripts: intron variant (2).
Genome position (GRCh38, 1-based): chr11:108,310,276, T>A. VCF-style: chr11-108310276-T-A. GRCh37 (hg19) VCF-style: chr11-108181003-T-A.
Other names: c.5879T>A, p.Ile1960Asn (NM_001351834.2); c.641-1205A>T (NM_001330368.2); c.*39-1205A>T (NM_001351110.2); short protein forms I1960N.
Identifiers: ClinVar variation 142498 (VCV000142498.32), dbSNP rs587782503, ClinGen allele CA168524.